The following is an entry in ClinVar:

NM_021133.4(RNASEL):c.793G>T (p.Glu265Ter)

Gene: RNASEL (ribonuclease L; minus strand). Cytogenetic location: 1q25.3.
Variant type: single nucleotide variant.
Coding change: c.793G>T on transcript NM_021133.4 (MANE Select); coding-DNA position 793, G replaced by T.
Protein change: p.Glu265Ter; replaces glutamic acid 265 with a stop codon.
Molecular consequence: nonsense.
Genome position (GRCh38, 1-based): chr1:182,586,014, C>A on the plus strand (G>T on the coding strand, the complement: RNASEL is on the minus strand). VCF-style: chr1-182586014-C-A. GRCh37 (hg19) VCF-style: chr1-182555149-C-A.
Other names: short protein forms E265*.
Identifiers: ClinVar variation 13004 (VCV000013004.55), dbSNP rs74315364, ClinGen allele CA122813.

ClinVar aggregate classification (germline): Conflicting classifications of pathogenicity. Review status: criteria provided, conflicting classifications (1 of 4 stars). 7 submissions from 7 submitters: Uncertain significance (2); Benign (1); Likely benign (1). 3 of the submissions do not count toward it. Last evaluated 2024-03-26.

Conditions:
RNASEL-related disorder. Also called: RNASEL-related condition.
Prostate cancer, hereditary, 1 (HPC1). Identifiers: Orphanet 1331, MedGen C4722327, MONDO:0011098, OMIM 601518.
Prostate cancer. Also called: Malignant tumor of prostate. Identifiers: Orphanet 1331, MedGen C0376358, MONDO:0008315, HP:0012125.

Allele frequency attached by ClinVar (database versions not stated): 1000 Genomes Project 30x 0.00172; 1000 Genomes Project 0.00180; TOPMed 0.00313; gnomAD 0.00324 and 0.00334; gnomAD exomes 0.00362; ExAC 0.00398.

Submissions (7):

Genomic Medicine Center of Excellence, King Faisal Specialist Hospital and Research Centre
Classification: Uncertain significance for Prostate cancer, hereditary, 1. Last evaluated: 2024-03-26. Review status: criteria provided, single submitter. Criteria: ACMG Guidelines, 2015. Collection method: clinical testing. Allele origin: germline.

CeGaT Center for Human Genetics Tuebingen
Classification: Benign. Last evaluated: 2023-11-01. Review status: criteria provided, single submitter. Criteria: CeGaT Center For Human Genetics Tuebingen Variant Classification Criteria Version 2. Collection method: clinical testing. Allele origin: germline. Affected: yes. Observed: 3 variant alleles.
Comment: RNASEL: BS1, BS2

Department of Pathology and Laboratory Medicine, Sinai Health System
Classification: Uncertain significance for Prostate cancer, hereditary, 1. Last evaluated: 2023-08-29. Review status: criteria provided, single submitter. Criteria: ACMG Guidelines, 2015. Collection method: research. Allele origin: germline.

Labcorp Genetics (formerly Invitae), Labcorp
Classification: Likely benign. Last evaluated: 2019-12-31. Review status: criteria provided, single submitter. Criteria: Invitae Variant Classification Sherloc (09022015). Collection method: clinical testing. Allele origin: germline.

PreventionGenetics, part of Exact Sciences
Classification: Likely benign for RNASEL-related condition. Last evaluated: 2023-04-11. Review status: no assertion criteria provided. Collection method: clinical testing. Allele origin: germline. Not counted in ClinVar's aggregate classification.
Comment: This variant is classified as likely benign based on ACMG/AMP sequence variant interpretation guidelines (Richards et al. 2015 PMID: 25741868, with internal and published modifications).

Reproductive Health Research and Development, BGI Genomics
Classification: Likely pathogenic for Prostate cancer. Last evaluated: 2020-01-06. Review status: no assertion criteria provided. Collection method: curation. Allele origin: germline. Not counted in ClinVar's aggregate classification.
Comment: NM_021133.3:c.793G>T in the RNASEL gene has an allele frequency of 0.008 in European (Finnish) subpopulation in the gnomAD database. This variant is predicted to cause loss of normal protein function either through protein truncation or nonsense-mediated mRNA decay. The c.793G>T(p.Glu265*) was segregated in four affected brothers from a family suffering from prostate canser (PMID: 11799394). Taken together, we interprete this variant as Pathogenic/Likely pathogenic. ACMG/AMP Criteria applied: PVS1, PP1_Moderate.

OMIM
Classification: Pathogenic for PROSTATE CANCER, HEREDITARY, 1. Last evaluated: 2002-02-01. Review status: no assertion criteria provided. Collection method: literature only. Allele origin: germline. Not counted in ClinVar's aggregate classification.

Literature cited by the submitters: PubMed 11799394 (cited by OMIM); PubMed 11941539 (cited by OMIM).